The following is an entry in ClinVar:

NM_001376.5(DYNC1H1):c.8446C>A (p.Leu2816Met)

Gene: DYNC1H1 (dynein cytoplasmic 1 heavy chain 1; plus strand). Cytogenetic location: 14q32.31.
Variant type: single nucleotide variant.
Coding change: c.8446C>A on transcript NM_001376.5 (MANE Select); coding-DNA position 8446, C replaced by A.
Protein change: p.Leu2816Met; replaces leucine 2816 with methionine.
Molecular consequence: missense variant.
Genome position (GRCh38, 1-based): chr14:102,019,995, C>A. VCF-style: chr14-102019995-C-A. GRCh37 (hg19) VCF-style: chr14-102486332-C-A.
Other names: short protein forms L2816M.
Identifiers: ClinVar variation 4802066 (VCV004802066.1).

ClinVar aggregate classification (germline): Uncertain significance (1 of 4 stars; one submission).

Conditions:
Charcot-Marie-Tooth disease axonal type 2O. Also called: CHARCOT-MARIE-TOOTH NEUROPATHY, AXONAL, TYPE 2O; CHARCOT-MARIE-TOOTH DISEASE, AXONAL, AUTOSOMAL DOMINANT, TYPE 2O; Charcot-Marie-Tooth Neuropathy Type 2O; Charcot-Marie-Tooth disease, axonal, type 20. Identifiers: Orphanet 284232, MedGen C3280220, MONDO:0013644, OMIM 614228.

Submission:

Labcorp Genetics (formerly Invitae), Labcorp
Classification: Uncertain significance for Charcot-Marie-Tooth disease axonal type 2O. Last evaluated: 2025-10-04. Review status: criteria provided, single submitter. Criteria: Invitae Variant Classification Sherloc (09022015). Collection method: clinical testing. Allele origin: germline.
Comment: This sequence change replaces leucine, which is neutral and non-polar, with methionine, which is neutral and non-polar, at codon 2816 of the DYNC1H1 protein (p.Leu2816Met). This variant is not present in population databases (gnomAD no frequency). This variant has not been reported in the literature in individuals affected with DYNC1H1-related conditions. Invitae Evidence Modeling of protein sequence and biophysical properties (such as structural, functional, and spatial information, amino acid conservation, physicochemical variation, residue mobility, and thermodynamic stability) indicates that this missense variant is not expected to disrupt DYNC1H1 protein function with a negative predictive value of 95%. In summary, the available evidence is currently insufficient to determine the role of this variant in disease. Therefore, it has been classified as a Variant of Uncertain Significance.